The following is an entry in ClinVar:

NM_194248.3(OTOF):c.3430del (p.Asp1144fs)

Gene: OTOF (otoferlin; minus strand). Cytogenetic location: 2p23.3.
Variant type: Deletion.
Coding change: c.3430del on transcript NM_194248.3 (MANE Select); coding-DNA position 3430, one base deleted (G; older notation c.3430delG).
Protein change: p.Asp1144fs; shifts the reading frame from aspartic acid 1144.
Molecular consequence: frameshift variant.
Genome position (GRCh38, 1-based): chr2:26,473,546, C deleted on the plus strand (G on the coding strand, the reverse complement: OTOF is on the minus strand); the first of 3 consecutive C bases (chr2:26,473,546-26,473,548); deleting any one gives the same sequence. VCF-style (leftmost placement, unchanged base first): chr2-26473545-TC-T. GRCh37 (hg19) VCF-style: chr2-26696413-TC-T.
Other names: c.1189del, p.Asp397fs (NM_194323.3, NM_004802.4); c.3430del, p.Asp1144fs (NM_001287489.2); c.1360del, p.Asp454fs (NM_194322.3); short protein forms D1144fs, D397fs, D454fs.
Identifiers: ClinVar variation 3601538 (VCV003601538.2).

ClinVar aggregate classification (germline): Pathogenic. Review status: criteria provided, single submitter (1 of 4 stars). 2 submissions from 2 submitters: Pathogenic (1). 1 of the submissions does not count toward it. Last evaluated 2025-01-09.

Conditions:
Autosomal recessive nonsyndromic hearing loss 9. Also called: NEUROSENSORY NONSYNDROMIC RECESSIVE DEAFNESS 9; OTOF-Related Hearing Loss; Deafness, autosomal recessive 9; AUDITORY NEUROPATHY, AUTOSOMAL RECESSIVE, 1, TEMPERATURE-SENSITIVE. Identifiers: Orphanet 90636, MedGen C1832828, MONDO:0010986, OMIM 601071.

Submissions (2):

Institute of Rare Diseases, West China Hospital, Sichuan University
Classification: Pathogenic for Autosomal recessive nonsyndromic hearing loss 9. Last evaluated: 2025-01-09. Review status: criteria provided, single submitter. Criteria: ClinGen HL ACMG Specifications v1. Collection method: research. Allele origin: germline. Affected: yes.
Comment: PVS1;PP1;PM2_Supporting

Diagnosis and Treatment Center of Genetic Hearing Loss, Eye & ENT Hospital of Fudan University
Classification: Pathogenic for Autosomal recessive nonsyndromic hearing loss 9. Last evaluated: 2026-02-04. Review status: no assertion criteria provided. Collection method: clinical testing. Allele origin: germline. Inheritance: Autosomal recessive inheritance. Affected: yes. Not counted in ClinVar's aggregate classification.
Comment: The c.3430del frameshift variant in OTOF leads to a premature stop codon and predicted NMD (PVS1). It is absent from population databases (PM2_Supporting). It was found in trans with pathogenic c.2610_2615dup (PM3).